The following is an entry in ClinVar:

NM_004525.3(LRP2):c.5096A>G (p.Asn1699Ser)

Gene: LRP2 (LDL receptor related protein 2; minus strand). Cytogenetic location: 2q31.1.
Variant type: single nucleotide variant.
Coding change: c.5096A>G on transcript NM_004525.3 (MANE Select); coding-DNA position 5096, A replaced by G.
Protein change: p.Asn1699Ser; replaces asparagine 1699 with serine.
Molecular consequence: missense variant.
Genome position (GRCh38, 1-based): chr2:169,233,413, T>C on the plus strand (A>G on the coding strand, the complement: LRP2 is on the minus strand). VCF-style: chr2-169233413-T-C. GRCh37 (hg19) VCF-style: chr2-170089923-T-C.
Other names: c.5096A>G (NM_004525.2); short protein forms N1699S.
Identifiers: ClinVar variation 3584826 (VCV003584826.2).

ClinVar aggregate classification (germline): Uncertain significance. Review status: criteria provided, multiple submitters, no conflicts (2 of 4 stars). 2 submissions from 2 submitters: Uncertain significance (2). Last evaluated 2024-12-06.

Conditions:
LRP2-related disorder. Also called: LRP2-related condition.
Donnai-Barrow syndrome. Also called: DBS/FOAR SYNDROME; FACIOOCULOACOUSTICORENAL SYNDROME. Identifiers: Orphanet 2143, MedGen C1857277, MONDO:0009104, OMIM 222448.

Submissions (2):

PreventionGenetics, part of Exact Sciences
Classification: Uncertain significance for LRP2-related condition. Last evaluated: 2024-12-06. Review status: criteria provided, single submitter. Criteria: ACMG Guidelines, 2015. Collection method: clinical testing. Allele origin: germline.
Comment: The LRP2 c.5096A>G variant is predicted to result in the amino acid substitution p.Asn1699Ser. To our knowledge, this variant has not been reported in the literature. This variant is reported in 0.0018% of alleles in individuals of European (Non-Finnish) descent in gnomAD. At this time, the clinical significance of this variant is uncertain due to the absence of conclusive functional and genetic evidence.

Fulgent Genetics
Classification: Uncertain significance for Donnai-Barrow syndrome. Last evaluated: 2024-03-20. Review status: criteria provided, single submitter. Criteria: ACMG Guidelines, 2015. Collection method: clinical testing. Allele origin: germline.